The following is an entry in ClinVar:

ClinVar aggregate classification (germline): Uncertain significance (1 of 4 stars; one submission).

Allele frequency attached by ClinVar (database versions not stated): TOPMed 0.00002; gnomAD 0.00005 and 0.00006.
gnomAD v4.1: 87 of 1,230,400 alleles (0.0071%); highest among the groups gnomAD compares: Non-Finnish European, 0.0084%; no homozygotes.

Submission:

Labcorp Genetics (formerly Invitae), Labcorp
Classification: Uncertain significance. Last evaluated: 2025-03-19. Review status: criteria provided, single submitter. Criteria: Invitae Variant Classification Sherloc (09022015). Collection method: clinical testing. Allele origin: germline.
Comment: This sequence change replaces glycine, which is neutral and non-polar, with glutamic acid, which is acidic and polar, at codon 8 of the KCNQ5 protein (p.Gly8Glu). This variant is present in population databases (rs764586130, gnomAD 0.01%). This variant has not been reported in the literature in individuals affected with KCNQ5-related conditions. ClinVar contains an entry for this variant (Variation ID: 1363916). Invitae Evidence Modeling of protein sequence and biophysical properties (such as structural, functional, and spatial information, amino acid conservation, physicochemical variation, residue mobility, and thermodynamic stability) indicates that this missense variant is not expected to disrupt KCNQ5 protein function with a negative predictive value of 95%. In summary, the available evidence is currently insufficient to determine the role of this variant in disease. Therefore, it has been classified as a Variant of Uncertain Significance.

NM_019842.4(KCNQ5):c.23G>A (p.Gly8Glu)

Genes: KCNQ5 (potassium voltage-gated channel subfamily Q member 5; plus strand), KCNQ5-DT (KCNQ5 divergent transcript; minus strand), LOC129996711 (ATAC-STARR-seq lymphoblastoid silent region 17329; plus strand). Cytogenetic location: 6q13.
Variant type: single nucleotide variant.
Coding change: c.23G>A on transcript NM_019842.4 (MANE Select); coding-DNA position 23, G replaced by A.
Protein change: p.Gly8Glu; replaces glycine 8 with glutamic acid.
Molecular consequence: missense variant.
Genome position (GRCh38, 1-based): chr6:72,622,212, G>A. VCF-style: chr6-72622212-G-A. GRCh37 (hg19) VCF-style: chr6-73331940-G-A.
Other names: c.23G>A, p.Gly8Glu (NM_001160130.2, NM_001160132.2, NM_001160133.2 and 1 more transcripts); short protein forms G8E.
Identifiers: ClinVar variation 1363916 (VCV001363916.8), dbSNP rs764586130, ClinGen allele CA141452100.
Genomic context (GRCh38, chr6:72,622,212, plus strand): 5'-GGCGCTGGCGGCCCCCTCGCGGTGCCCGTGGTGATGCCATGCCCCGCCACCACGCGGGAG[G>A]AGAGGAGGGCGGCGCCGCCGGGCTCTGGGTGAAGAGCGGCGCAGCGGCGGCGGCGGCGGG-3'
Protein context (NP_062816.2, residues 1-18): MPRHHAG[Gly8Glu]EEGGAAGLWV